The following is an entry in ClinVar:

ClinVar aggregate classification (germline): Uncertain significance (1 of 4 stars; one submission).

Conditions:
DICER1-related tumor predisposition. Also called: DICER1-related pleuropulmonary blastoma cancer predisposition syndrome; DICER1 syndrome. Identifiers: Orphanet 284343, MedGen C3839822, MONDO:0100216.

Submission:

Labcorp Genetics (formerly Invitae), Labcorp
Classification: Uncertain significance for DICER1-related tumor predisposition. Last evaluated: 2022-05-09. Review status: criteria provided, single submitter. Criteria: Invitae Variant Classification Sherloc (09022015). Collection method: clinical testing. Allele origin: germline.
Comment: This variant results in a copy number gain of the genomic region encompassing exon(s) 23-27 of the DICER1 gene. This region includes the termination codon of the gene. This copy number gain extends beyond the assayed region for this gene and therefore may encompass additional genes. As the precise location of this event is unknown, it may be in tandem or it may be located elsewhere in the genome. This variant has not been reported in the literature in individuals affected with DICER1-related conditions. Experimental studies and prediction algorithms are not available or were not evaluated, and the functional significance of this variant is currently unknown. In summary, the available evidence is currently insufficient to determine the role of this variant in disease. Therefore, it has been classified as a Variant of Uncertain Significance.

NC_000014.8:g.(?_95556835)_(95563060_?)dup

Gene: DICER1 (dicer 1, ribonuclease III; minus strand). Cytogenetic location: 14q32.13.
Variant type: Duplication.
Identifiers: ClinVar variation 2427554 (VCV002427554.3).